The following is an entry in ClinVar:

NR_023317.1(RNU7-1):n.27T>C

Genes: C12orf57 (chromosome 12 open reading frame 57; plus strand), RNU7-1 (RNA, U7 small nuclear 1; plus strand). Cytogenetic location: 12p13.31.
Variant type: single nucleotide variant.
Molecular consequence: non-coding transcript variant (on NR_023317.1). On other transcripts: intron variant (2).
Genome position: GRCh38 VCF-style: chr12-6943842-T-C. GRCh37 (hg19) VCF-style: chr12-7053005-T-C.
Other names: c.13+180T>C (NM_001301836.2); c.-16+180T>C (NM_001301834.1).
Identifiers: ClinVar variation 4879572 (VCV004879572.1).
Genomic context (GRCh38, chr12:6,943,842, plus strand): 5'-TTATATCCCATCTTCTCTCCAAACACATACGCAGCAGTGTTACAGCTCTTTTAGAATTTG[T>C]CTAGTAGGCTTTCTGGCTTTTTACCGGAAAGCCCCTCTTATGATGTTTGTTGCCAATGAT-3'

ClinVar aggregate classification (germline): Likely pathogenic (1 of 4 stars; one submission).

Conditions:
Aicardi-Goutieres syndrome 9. Identifiers: MedGen C5561966, MONDO:0030362, OMIM 619487.

gnomAD v4.1: 19 of 884,744 alleles (0.0021%); highest among the groups gnomAD compares: East Asian, 0.01%; no homozygotes.

Submission:

Victorian Clinical Genetics Services, Murdoch Childrens Research Institute
Classification: Likely pathogenic for Aicardi-Goutieres syndrome 9. Last evaluated: 2026-04-24. Review status: criteria provided, single submitter. Criteria: ACMG Guidelines, 2015. Collection method: clinical testing. Allele origin: germline. Affected: yes.
Comment: This variant is classified as Likely pathogenic. Evidence in support of pathogenic classification: Non-coding variant with known effect. Functional studies show this variant affects the in vivo assembly and processing of the U7 small nuclear ribonucleoprotein (snRNP) (PMID: 16547514); Variant is present in gnomAD <0.01 for a recessive condition (v4: 19 heterozygote(s), 0 homozygote(s)); Heterozygous variant detected in trans with a second PATHOGENIC heterozygous variant (NR_023317.1(RNU7-1):n.40_47del) in a recessive disease. Additional information: This variant is heterozygous; This gene is associated with autosomal recessive disease; Alternative nucleotide change(s) at the same position are present in gnomAD (highest allele count: (v4: 11 heterozygote(s), 0 homozygote(s)); This variant has no previous evidence of pathogenicity; No published evidence of segregation with disease has been identified for this variant; No published functional evidence has been identified for this variant; No comparable non-coding variants have previous evidence for pathogenicity; Variant is located in the annotated Sm-binding site (PMID: 33230297); Loss of function is a known mechanism of disease in this gene and is associated with Aicardi-Goutieres syndrome 9 (MIM#619487); Variants in this gene are known to have variable expressivity. Inter- and intrafamilial variability has been reported (OMIM).

Literature cited by the submitters: PubMed 33230297; PubMed 16547514.